The following is an entry in ClinVar:

NM_002350.4(LYN):c.491G>A (p.Ser164Asn)

Gene: LYN (LYN proto-oncogene, Src family tyrosine kinase; plus strand). Cytogenetic location: 8q12.1.
Variant type: single nucleotide variant.
Coding change: c.491G>A on transcript NM_002350.4 (MANE Select); coding-DNA position 491, G replaced by A.
Protein change: p.Ser164Asn; replaces serine 164 with asparagine.
Molecular consequence: missense variant.
Genome position (GRCh38, 1-based): chr8:55,951,969, G>A. VCF-style: chr8-55951969-G-A. GRCh37 (hg19) VCF-style: chr8-56864528-G-A.
Other names: c.428G>A, p.Ser143Asn (NM_001111097.3); short protein forms S143N, S164N.
Identifiers: ClinVar variation 1426500 (VCV001426500.6), dbSNP rs2130494858, ClinGen allele CA371281226.

ClinVar aggregate classification (germline): Uncertain significance (1 of 4 stars; one submission).

gnomAD v4.1: 2 of 1,610,098 alleles (0.00012%); highest among the groups gnomAD compares: Admixed American, 0.0017%; no homozygotes.

Submission:

Labcorp Genetics (formerly Invitae), Labcorp
Classification: Uncertain significance. Last evaluated: 2022-02-05. Review status: criteria provided, single submitter. Criteria: Invitae Variant Classification Sherloc (09022015). Collection method: clinical testing. Allele origin: germline.
Comment: In summary, the available evidence is currently insufficient to determine the role of this variant in disease. Therefore, it has been classified as a Variant of Uncertain Significance. Algorithms developed to predict the effect of missense changes on protein structure and function (SIFT, PolyPhen-2, Align-GVGD) all suggest that this variant is likely to be tolerated. This variant has not been reported in the literature in individuals affected with LYN-related conditions. This variant is not present in population databases (gnomAD no frequency). This sequence change replaces serine, which is neutral and polar, with asparagine, which is neutral and polar, at codon 164 of the LYN protein (p.Ser164Asn).